The following is an entry in ClinVar:

ClinVar aggregate classification (germline): Pathogenic (1 of 4 stars; one submission).

Conditions:
Primary ciliary dyskinesia 7. Also called: CILIARY DYSKINESIA, PRIMARY, 7, WITH OR WITHOUT SITUS INVERSUS. Identifiers: Orphanet 244, MedGen C2678473, MONDO:0012748, OMIM 611884.

gnomAD v4.1: 1 of 1,608,584 alleles (0.000062%); highest among the groups gnomAD compares: Non-Finnish European, 0.000085%; no homozygotes.

Submission:

Broad Center for Mendelian Genomics, Broad Institute of MIT and Harvard
Classification: Pathogenic for Primary ciliary dyskinesia 7. Last evaluated: 2025-02-12. Review status: criteria provided, single submitter. Criteria: ACMG Guidelines, 2015. Collection method: curation. Allele origin: germline. Inheritance: Autosomal recessive inheritance.
Comment: The p.Gln1648Ter variant in DNAH11 has been reported in 2 individuals with primary ciliary dyskinesia (PMID: 31116566, 37860582), and has been identified in 0.00008% (1/1178458) of European (non-Finnish) chromosomes by the Genome Aggregation Database (gnomAD; dbSNP ID: rs373372239). Although this variant has been seen in the general population in a heterozygous state, its frequency is low enough to be consistent with a recessive carrier frequency. Of the 2 affected individuals, 1 was a compound heterozygote that carried a reported pathogenic variants in trans, which increases the likelihood that the p.Gln1648Ter variant is pathogenic (Variation ID: 228332; PMID: 37860582). This nonsense variant leads to a premature termination codon at position 1648, which is predicted to lead to a truncated or absent protein. Loss of function of the DNAH11 gene is an established disease mechanism in autosomal recessive primary ciliary dyskinesia. In summary, this variant meets criteria to be classified as pathogenic for autosomal recessive primary ciliary dyskinesia. ACMG/AMP Criteria applied: PVS1, PM2_supporting, PM3 (Richards 2015).

NM_001277115.2(DNAH11):c.4942C>T (p.Gln1648Ter)

Gene: DNAH11 (dynein axonemal heavy chain 11; plus strand). Cytogenetic location: 7p15.3.
Variant type: single nucleotide variant.
Coding change: c.4942C>T on transcript NM_001277115.2 (MANE Select); coding-DNA position 4942, C replaced by T.
Protein change: p.Gln1648Ter; replaces glutamine 1648 with a stop codon.
Molecular consequence: nonsense.
Genome position (GRCh38, 1-based): chr7:21,639,063, C>T. VCF-style: chr7-21639063-C-T. GRCh37 (hg19) VCF-style: chr7-21678681-C-T.
Other names: NM_001277115.2:c.4942C>T; short protein forms Q1648*.
Identifiers: ClinVar variation 3776923 (VCV003776923.1).